The following is an entry in ClinVar:

NM_001035.3(RYR2):c.5309G>A (p.Ser1770Asn)

Gene: RYR2 (ryanodine receptor 2; plus strand). Cytogenetic location: 1q43.
Variant type: single nucleotide variant.
Coding change: c.5309G>A on transcript NM_001035.3 (MANE Select); coding-DNA position 5309, G replaced by A.
Protein change: p.Ser1770Asn; replaces serine 1770 with asparagine.
Molecular consequence: missense variant.
Genome position (GRCh38, 1-based): chr1:237,614,437, G>A. VCF-style: chr1-237614437-G-A. GRCh37 (hg19) VCF-style: chr1-237777737-G-A.
Other names: short protein forms S1770N.
Identifiers: ClinVar variation 1039942 (VCV001039942.10), dbSNP rs1678239780, ClinGen allele CA16621972.

ClinVar aggregate classification (germline): Uncertain significance. Review status: criteria provided, multiple submitters, no conflicts (2 of 4 stars). 2 submissions from 2 submitters: Uncertain significance (2). Last evaluated 2025-09-18.

Conditions:
Cardiomyopathy (CMYO). Also called: Cardiomyopathies. Identifiers: Orphanet 167848, MedGen C0878544, MONDO:0004994, HP:0001638. Inheritance: Various modes of inheritance.
Catecholaminergic polymorphic ventricular tachycardia 1. Also called: VENTRICULAR TACHYCARDIA, CATECHOLAMINERGIC POLYMORPHIC, 1, WITH OR WITHOUT ATRIAL DYSFUNCTION AND/OR DILATED CARDIOMYOPATHY; VENTRICULAR TACHYCARDIA, STRESS-INDUCED POLYMORPHIC 1; RYR2-Related Catecholaminergic Polymorphic Ventricular Tachycardia. Identifiers: Orphanet 3286, MedGen C1631597, MONDO:0011484, OMIM 604772.

Allele frequency attached by ClinVar (database versions not stated): gnomAD exomes below 0.00001.
gnomAD v4.1: 3 of 1,614,024 alleles (0.00019%); highest among the groups gnomAD compares: Non-Finnish European, 0.00025%; no homozygotes.

Submissions (2):

Color Diagnostics, LLC DBA Color Health
Classification: Uncertain significance for Cardiomyopathy. Last evaluated: 2025-09-18. Review status: criteria provided, single submitter. Criteria: ACMG Guidelines, 2015. Collection method: clinical testing. Allele origin: germline.
Comment: This missense variant replaces serine with asparagine at codon 1770 of the RYR2 protein. Computational prediction suggests that this variant may not impact protein structure and function. To our knowledge, functional studies have not been reported for this variant. This variant has not been reported in individuals affected with RYR2-related disorders in the literature. This variant has not been identified in the general population by the Genome Aggregation Database (gnomAD). The available evidence is insufficient to determine the role of this variant in disease conclusively. Therefore, this variant is classified as a Variant of Uncertain Significance.

Labcorp Genetics (formerly Invitae), Labcorp
Classification: Uncertain significance for Catecholaminergic polymorphic ventricular tachycardia 1. Last evaluated: 2020-06-08. Review status: criteria provided, single submitter. Criteria: Invitae Variant Classification Sherloc (09022015). Collection method: clinical testing. Allele origin: germline.
Comment: In summary, the available evidence is currently insufficient to determine the role of this variant in disease. Therefore, it has been classified as a Variant of Uncertain Significance. Algorithms developed to predict the effect of missense changes on protein structure and function are either unavailable or do not agree on the potential impact of this missense change (SIFT: "Deleterious"; PolyPhen-2: "Benign"; Align-GVGD: "Class C45"). This variant has not been reported in the literature in individuals with RYR2-related conditions. This variant is not present in population databases (ExAC no frequency). This sequence change replaces serine with asparagine at codon 1770 of the RYR2 protein (p.Ser1770Asn). The serine residue is highly conserved and there is a small physicochemical difference between serine and asparagine.